The following is an entry in ClinVar:

NM_016333.4(SRRM2):c.1238C>G (p.Pro413Arg)

Gene: SRRM2 (serine/arginine repetitive matrix 2; plus strand). Cytogenetic location: 16p13.3.
Variant type: single nucleotide variant.
Coding change: c.1238C>G on transcript NM_016333.4 (MANE Select); coding-DNA position 1238, C replaced by G.
Protein change: p.Pro413Arg; replaces proline 413 with arginine.
Molecular consequence: missense variant.
Genome position (GRCh38, 1-based): chr16:2,761,766, C>G. VCF-style: chr16-2761766-C-G. GRCh37 (hg19) VCF-style: chr16-2811767-C-G.
Other names: short protein forms P413R.
Identifiers: ClinVar variation 4847837 (VCV004847837.1).

ClinVar aggregate classification (germline): Uncertain significance (1 of 4 stars; one submission).

Submission:

Women's Health and Genetics/Laboratory Corporation of America, LabCorp
Classification: Uncertain significance. Last evaluated: 2026-02-13. Review status: criteria provided, single submitter. Criteria: LabCorp Variant Classification Summary - May 2015. Collection method: clinical testing. Allele origin: germline.
Comment: Variant summary: SRRM2 c.1238C>G (p.Pro413Arg) results in a non-conservative amino acid change in the encoded protein sequence. Algorithms developed to predict the effect of missense changes on protein structure and function are either unavailable or do not agree on the potential impact of this missense change. The variant was absent in 250670 control chromosomes. The available data on variant occurrences in the general population are insufficient to allow any conclusion about variant significance. To our knowledge, no occurrence of c.1238C>G in individuals affected with SRRM2-related conditions and no experimental evidence demonstrating its impact on protein function have been reported. No submitters have cited clinical-significance assessments for this variant to ClinVar. Based on the evidence outlined above, the variant was classified as uncertain significance.